The following is an entry in ClinVar:

NM_006618.5(KDM5B):c.326_336dup (p.Leu113fs)

Gene: KDM5B (lysine demethylase 5B; minus strand). Cytogenetic location: 1q32.1.
Variant type: Duplication.
Coding change: c.326_336dup on transcript NM_006618.5 (MANE Select); coding-DNA positions 326 to 336, 11 bases duplicated (AGTACTGGGAG).
Protein change: p.Leu113fs; shifts the reading frame from leucine 113.
Molecular consequence: frameshift variant.
Genome position (GRCh38, 1-based): chr1:202,774,682-202,774,692, CTCCCAGTACT duplicated on the plus strand (AGTACTGGGAG on the coding strand, the reverse complement: KDM5B is on the minus strand). VCF-style (leftmost placement, unchanged base first): chr1-202774681-A-ACTCCCAGTACT. GRCh37 (hg19) VCF-style: chr1-202743809-A-ACTCCCAGTACT.
Other names: c.326_336dup, p.Leu113fs (NM_001314042.2, NM_001347591.2); c.311_321dup, p.Leu108fs (NM_001399817.1); short protein forms L108fs, L113fs.
Identifiers: ClinVar variation 4879807 (VCV004879807.1).
Genomic context (GRCh38, chr1:202,774,681, plus strand): 5'-GCTGAAATAAGTCCAAGATCTTCCTCTCCACATGTGGAATTTTCAGAGTACTTCCCTGTA[A>ACTCCCAGTACT]CTCCCAGTACTTTGCAATCTGGTCCAAGAAATTCAATTTTACACGAGTTTGGGCCTAAAA-3'

ClinVar aggregate classification (germline): Pathogenic (1 of 4 stars; one submission).

Conditions:
Neurodevelopmental disorder. Identifiers: MedGen C1535926, MeSH D065886, MONDO:0700092.

Submission:

Victorian Clinical Genetics Services, Murdoch Childrens Research Institute
Classification: Pathogenic for Neurodevelopmental disorder. Last evaluated: 2026-03-20. Review status: criteria provided, single submitter. Criteria: ACMG Guidelines, 2015. Collection method: clinical testing. Allele origin: germline. Affected: yes.
Comment: This variant is classified as Pathogenic. Evidence in support of pathogenic classification: Variant is predicted to cause nonsense-mediated decay (NMD) and loss of protein (premature termination codon is located at least 54 nucleotides upstream of the final exon-exon junction); Variant is absent from gnomAD (v2, v3 and v4); Other NMD-predicted variants comparable to the one identified in this case have very strong previous evidence for pathogenicity (DECIPHER); Additional information: This variant is heterozygous; This gene is associated with both recessive and dominant disease. Biallelic pathogenic variants are associated with a more severe, syndromic intellectual disability (PMID: 29276005; DECIPHER). Heterozygous variants have also been reported in association with autosomal dominant intellectual developmental disorder; however, these variants are also frequently observed in apparently unaffected individuals (PMIDs: 29276005, 30217758, 30409806); This variant has no previous evidence of pathogenicity; No published evidence of segregation with disease has been identified for this variant; No published functional evidence has been identified for this variant; Loss of function is a known mechanism of disease in this gene and is associated with autosomal recessive intellectual disability 65 (MIM#618109), and autosomal dominant neurodevelopmental disorder (MONDO:0700092), KDM5B-related; The condition associated with this gene has incomplete penetrance. While the recessive condition is fully penetrant, incomplete penetrance has been suggested for the autosomal dominant condition (PMID: 30217758, 30409806, 37231097); Variants in this gene are known to have variable expressivity (PMID: 39202393, 37231097).

Literature cited by the submitters: PubMed 39202393; PubMed 29276005; PubMed 30409806; PubMed 30217758; PubMed 37231097.